The following is an entry in ClinVar:

NM_014476.6(PDLIM3):c.475A>G (p.Ile159Val)

Gene: PDLIM3 (PDZ and LIM domain 3; minus strand). Cytogenetic location: 4q35.1.
Variant type: single nucleotide variant.
Coding change: c.475A>G on transcript NM_014476.6 (MANE Select); coding-DNA position 475, A replaced by G.
Protein change: p.Ile159Val; replaces isoleucine 159 with valine.
Molecular consequence: missense variant. On other transcripts: intron variant (3).
Genome position (GRCh38, 1-based): chr4:185,508,486, T>C on the plus strand (A>G on the coding strand, the complement: PDLIM3 is on the minus strand). VCF-style: chr4-185508486-T-C. GRCh37 (hg19) VCF-style: chr4-186429640-T-C.
Other names: c.162-1834A>G (NM_001257963.2); c.399-1834A>G (NM_001257962.2); c.519-1834A>G (NM_001114107.5); short protein forms I159V.
Identifiers: ClinVar variation 2925179 (VCV002925179.3), dbSNP rs779435259, ClinGen allele CA3159767.
Genomic context (GRCh38, chr4:185,508,486, plus strand): 5'-CCATTTCCAAAGGAATGTTAGGGGCCAGCTTAGCCGCAACTTTCAAGTCACCTGGGCAAA[T>C]GGTACTAACAGTACTGACAGAAGAAGGGGTGCTGCGTCCACTGCCACAGTCAATCCCGGA-3'
Protein context (NP_055291.2, residues 149-169): TPSSVSTVST[Ile159Val]CPGDLKVAAK

ClinVar aggregate classification (germline): Uncertain significance (1 of 4 stars; one submission).

Conditions:
Primary dilated cardiomyopathy (DCM). Also called: Dilated Cardiomyopathy. Identifiers: Orphanet 217604, MedGen C0007193, MeSH D002311, MONDO:0005021, HP:0001644. Inheritance: Various modes of inheritance.
Hypertrophic cardiomyopathy. Also called: HYPERTROPHIC MYOCARDIOPATHY. Identifiers: Orphanet 217569, MedGen C0007194, MeSH D002312, MONDO:0005045, HP:0001639.

Allele frequency attached by ClinVar (database versions not stated): gnomAD exomes 0.00001; ExAC 0.00002; gnomAD 0.00001; TOPMed 0.00001.
gnomAD v4.1: 7 of 1,614,080 alleles (0.00043%); highest among the groups gnomAD compares: Non-Finnish European, 0.00042%; no homozygotes.

Submission:

Labcorp Genetics (formerly Invitae), Labcorp
Classification: Uncertain significance for Hypertrophic cardiomyopathy; Primary dilated cardiomyopathy. Last evaluated: 2025-10-26. Review status: criteria provided, single submitter. Criteria: Invitae Variant Classification Sherloc (09022015). Collection method: clinical testing. Allele origin: germline.
Comment: This sequence change replaces isoleucine, which is neutral and non-polar, with valine, which is neutral and non-polar, at codon 159 of the PDLIM3 protein (p.Ile159Val). This variant is present in population databases (rs779435259, gnomAD 0.002%). This variant has not been reported in the literature in individuals affected with PDLIM3-related conditions. ClinVar contains an entry for this variant (Variation ID: 2925179). Invitae Evidence Modeling of protein sequence and biophysical properties (such as structural, functional, and spatial information, amino acid conservation, physicochemical variation, residue mobility, and thermodynamic stability) indicates that this missense variant is not expected to disrupt PDLIM3 protein function with a negative predictive value of 80%. In summary, the available evidence is currently insufficient to determine the role of this variant in disease. Therefore, it has been classified as a Variant of Uncertain Significance.